The following is an entry in ClinVar:

ClinVar aggregate classification (germline): Pathogenic. Review status: criteria provided, multiple submitters, no conflicts (2 of 4 stars). 3 submissions from 3 submitters: Pathogenic (3). Last evaluated 2024-02-07.

Conditions:
Fanconi anemia (FA). Also called: Fanconi's anemia. Identifiers: Orphanet 84, MedGen C0015625, MeSH D005199, MONDO:0019391.
Fanconi anemia complementation group A (FANCA). Also called: Fanconi anemia, group A; FANCA-Related Fanconi Anemia. Identifiers: Orphanet 84, MedGen C3469521, MONDO:0009215, OMIM 227650.

Allele frequency attached by ClinVar (database versions not stated): gnomAD 0.00001; TOPMed 0.00002.

Submissions (3):

Baylor Genetics
Classification: Pathogenic for Fanconi anemia complementation group A. Last evaluated: 2024-02-07. Review status: criteria provided, single submitter. Criteria: ACMG Guidelines, 2015. Collection method: clinical testing. Allele origin: unknown.

Labcorp Genetics (formerly Invitae), Labcorp
Classification: Pathogenic for Fanconi anemia. Last evaluated: 2024-01-05. Review status: criteria provided, single submitter. Criteria: Invitae Variant Classification Sherloc (09022015). Collection method: clinical testing. Allele origin: germline.
Comment: This sequence change creates a premature translational stop signal (p.Gln123*) in the FANCA gene. It is expected to result in an absent or disrupted protein product. Loss-of-function variants in FANCA are known to be pathogenic (PMID: 19367192). This variant is present in population databases (no rsID available, gnomAD 0.01%). This premature translational stop signal has been observed in individual(s) with clinical features of Fanconi anemia (PMID: 28623394, 32487094, 33883933). This variant is also known as p.Q123X. ClinVar contains an entry for this variant (Variation ID: 1707899). Algorithms developed to predict the effect of sequence changes on RNA splicing suggest that this variant may disrupt the consensus splice site. For these reasons, this variant has been classified as Pathogenic.

GeneDx
Classification: Pathogenic. Last evaluated: 2022-04-01. Review status: criteria provided, single submitter. Criteria: GeneDx Variant Classification Process June 2021. Collection method: clinical testing. Allele origin: germline. Affected: yes.
Comment: Nonsense variant predicted to result in protein truncation or nonsense mediated decay in a gene for which loss of function is a known mechanism of disease; Not observed at significant frequency in large population cohorts (gnomAD); This variant is associated with the following publications: (PMID: 28623394, 32487094, 33883933, 30031030)

Literature cited by the submitters: PubMed 19367192 (cited by Labcorp Genetics (formerly Invitae), Labcorp); PubMed 28623394 (cited by Labcorp Genetics (formerly Invitae), Labcorp); PubMed 32487094 (cited by Labcorp Genetics (formerly Invitae), Labcorp); PubMed 33883933 (cited by Labcorp Genetics (formerly Invitae), Labcorp).

NM_000135.4(FANCA):c.367C>T (p.Gln123Ter)

Gene: FANCA (FA complementation group A; minus strand). Cytogenetic location: 16q24.3.
Variant type: single nucleotide variant.
Coding change: c.367C>T on transcript NM_000135.4 (MANE Select); coding-DNA position 367, C replaced by T.
Protein change: p.Gln123Ter; replaces glutamine 123 with a stop codon.
Molecular consequence: nonsense.
Genome position (GRCh38, 1-based): chr16:89,810,988, G>A on the plus strand (C>T on the coding strand, the complement: FANCA is on the minus strand). VCF-style: chr16-89810988-G-A. GRCh37 (hg19) VCF-style: chr16-89877396-G-A.
Other names: c.367C>T, p.Gln123Ter (NM_001018112.3, NM_001286167.3, NM_001351830.2); short protein forms Q123*.
Identifiers: ClinVar variation 1707899 (VCV001707899.9), dbSNP rs985886242, ClinGen allele CA286608251.
Genomic context (GRCh38, chr16:89,810,988, plus strand): 5'-CTCTCTGCTCCACAGTCAGCAGCACAGGGTGACTGGTCTCCGCTGGAGCCGTGCAGATCT[G>A]TCCCACGCTAGAGGCAACCATCCCGGCTGAGAGAATACCCACGGGAACCCCCAGCCTTGA-3'